The following is an entry in ClinVar:

NM_004369.4(COL6A3):c.181T>G (p.Phe61Val)

Gene: COL6A3 (collagen type VI alpha 3 chain; minus strand). Cytogenetic location: 2q37.3.
Variant type: single nucleotide variant.
Coding change: c.181T>G on transcript NM_004369.4 (MANE Select); coding-DNA position 181, T replaced by G.
Protein change: p.Phe61Val; replaces phenylalanine 61 with valine.
Molecular consequence: missense variant. On other transcripts: intron variant (4).
Genome position (GRCh38, 1-based): chr2:237,395,115, A>C on the plus strand (T>G on the coding strand, the complement: COL6A3 is on the minus strand). VCF-style: chr2-237395115-A-C. GRCh37 (hg19) VCF-style: chr2-238303758-A-C.
Other names: c.91+1612T>G (NM_057166.5, NM_057167.4, NM_057164.5 and 1 more transcripts); short protein forms F61V.
Identifiers: ClinVar variation 4711344 (VCV004711344.1).

ClinVar aggregate classification (germline): Uncertain significance (1 of 4 stars; one submission).

Conditions:
Bethlem myopathy 1A. Also called: MYOPATHY, BENIGN CONGENITAL, WITH CONTRACTURES; Bethlem myopathy 1; Bethlem Muscular Dystrophy. Identifiers: Orphanet 610, MedGen CN029274, MONDO:0024530, OMIM 158810.

Submission:

Labcorp Genetics (formerly Invitae), Labcorp
Classification: Uncertain significance for Bethlem myopathy 1A. Last evaluated: 2025-02-28. Review status: criteria provided, single submitter. Criteria: Invitae Variant Classification Sherloc (09022015). Collection method: clinical testing. Allele origin: germline.
Comment: This sequence change replaces phenylalanine, which is neutral and non-polar, with valine, which is neutral and non-polar, at codon 61 of the COL6A3 protein (p.Phe61Val). This variant is not present in population databases (gnomAD no frequency). This variant has not been reported in the literature in individuals affected with COL6A3-related conditions. Invitae Evidence Modeling of protein sequence and biophysical properties (such as structural, functional, and spatial information, amino acid conservation, physicochemical variation, residue mobility, and thermodynamic stability) indicates that this missense variant is not expected to disrupt COL6A3 protein function with a negative predictive value of 95%. In summary, the available evidence is currently insufficient to determine the role of this variant in disease. Therefore, it has been classified as a Variant of Uncertain Significance.